The following is an entry in ClinVar:

NM_000214.3(JAG1):c.899G>A (p.Cys300Tyr)

Gene: JAG1 (jagged canonical Notch ligand 1; minus strand). Cytogenetic location: 20p12.2.
Variant type: single nucleotide variant.
Coding change: c.899G>A on transcript NM_000214.3 (MANE Select); coding-DNA position 899, G replaced by A.
Protein change: p.Cys300Tyr; replaces cysteine 300 with tyrosine.
Molecular consequence: missense variant.
Genome position (GRCh38, 1-based): chr20:10,652,238, C>T on the plus strand (G>A on the coding strand, the complement: JAG1 is on the minus strand). VCF-style: chr20-10652238-C-T. GRCh37 (hg19) VCF-style: chr20-10632886-C-T.
Other names: short protein forms C300Y.
Identifiers: ClinVar variation 3573403 (VCV003573403.2).

Conditions:
Arteriohepatic dysplasia. Also called: Alagille Syndrome. Identifiers: Orphanet 52, MedGen C0085280, MeSH D016738, MONDO:0007318.

Submission:

Gilbert/Spinner Lab, Children's Hospital of Philadelphia
No classification provided (evidence only). Condition: Alagille syndrome. Review status: no classification provided. Collection method: research. Allele origin: not applicable. Functional consequence: functionally_abnormal.
ClinVar note: "not provided" was previously submitted as the classification for the variant. However, the classification appeared to be based only on an observation of functional data so it was converted to no classification on 2025-07-30.